The following is an entry in ClinVar:

ClinVar aggregate classification (germline): Conflicting classifications of pathogenicity. Review status: criteria provided, conflicting classifications (1 of 4 stars). 3 submissions from 3 submitters: Uncertain significance (1); Likely benign (2). Last evaluated 2025-12-21.

Conditions:
Autosomal recessive limb-girdle muscular dystrophy type 2J (LGMDR10). Also called: Limb-girdle muscular dystrophy, type 2J; MUSCULAR DYSTROPHY, LIMB-GIRDLE, AUTOSOMAL RECESSIVE 10. Identifiers: Orphanet 140922, MedGen C1837342, MONDO:0012127, OMIM 608807.
Dilated cardiomyopathy 1G (CMD1G). Identifiers: Orphanet 154, MedGen C1858763, MONDO:0011400, OMIM 604145.

Allele frequency attached by ClinVar (database versions not stated): gnomAD exomes below 0.00001; ExAC 0.00001; gnomAD 0.00001; TOPMed 0.00002.
gnomAD v4.1: 7 of 1,613,406 alleles (0.00043%); highest among the groups gnomAD compares: African/African-American, 0.0027%; no homozygotes.

Submissions (3):

Labcorp Genetics (formerly Invitae), Labcorp
Classification: Likely benign for Dilated cardiomyopathy 1G; Autosomal recessive limb-girdle muscular dystrophy type 2J. Last evaluated: 2025-12-21. Review status: criteria provided, single submitter. Criteria: Invitae Variant Classification Sherloc (09022015). Collection method: clinical testing. Allele origin: germline.

CeGaT Center for Human Genetics Tuebingen
Classification: Likely benign. Last evaluated: 2022-09-01. Review status: criteria provided, single submitter. Criteria: CeGaT Center For Human Genetics Tuebingen Variant Classification Criteria Version 2. Collection method: clinical testing. Allele origin: germline. Affected: yes. Observed: 1 variant allele.
Comment: TTN: BP4, BP7

Revvity Omics, Revvity
Classification: Uncertain significance. Last evaluated: 2019-06-27. Review status: criteria provided, single submitter. Criteria: ACMG Guidelines, 2015. Collection method: clinical testing. Allele origin: germline.

NM_001267550.2(TTN):c.26529G>A (p.Thr8843=)

Gene: TTN (titin; minus strand). Cytogenetic location: 2q31.2.
Variant type: single nucleotide variant.
Coding change: c.26529G>A on transcript NM_001267550.2 (MANE Select); coding-DNA position 26529, G replaced by A.
Protein change: p.Thr8843=; no amino-acid change (threonine 8843 retained).
Molecular consequence: synonymous variant. On other transcripts: intron variant (3).
Genome position (GRCh38, 1-based): chr2:178,714,129, C>T on the plus strand (G>A on the coding strand, the complement: TTN is on the minus strand). VCF-style: chr2-178714129-C-T. GRCh37 (hg19) VCF-style: chr2-179578856-C-T.
Other names: c.25578G>A, p.Thr8526= (NM_001256850.1); c.22797G>A, p.Thr7599= (NM_133378.4); c.13282+23953G>A (NM_003319.4); c.13858+23953G>A (NM_133437.4); c.13657+23953G>A (NM_133432.3).
Identifiers: ClinVar variation 1085080 (VCV001085080.41), dbSNP rs747558822, ClinGen allele CA1999977.